The following is an entry in ClinVar:

ClinVar aggregate classification (germline): Likely benign. Review status: criteria provided, multiple submitters, no conflicts (2 of 4 stars). 2 submissions from 2 submitters: Likely benign (2). Last evaluated 2025-06-20.

Conditions:
Cohen syndrome (COH1). Also called: PEPPER SYNDROME; Cutis verticis gyrata, retinitis pigmentosa, and sensorineural deafness. Identifiers: Orphanet 193, MedGen C0265223, MONDO:0008999, OMIM 216550.
VPS13B-related disorder. Also called: VPS13B-related condition.

Allele frequency attached by ClinVar (database versions not stated): gnomAD 0.00002; TOPMed 0.00002.
gnomAD v4.1: 8 of 1,595,462 alleles (0.0005%); highest among the groups gnomAD compares: Non-Finnish European, 0.00068%; no homozygotes.

Submissions (2):

PreventionGenetics, part of Exact Sciences
Classification: Likely benign for VPS13B-related condition. Last evaluated: 2025-06-20. Review status: criteria provided, single submitter. Criteria: ACMG Guidelines, 2015. Collection method: clinical testing. Allele origin: germline.
Comment: This variant is classified as likely benign based on ACMG/AMP sequence variant interpretation guidelines (Richards et al. 2015 PMID: 25741868, with internal and published modifications).

Labcorp Genetics (formerly Invitae), Labcorp
Classification: Likely benign for Cohen syndrome. Last evaluated: 2023-12-11. Review status: criteria provided, single submitter. Criteria: Invitae Variant Classification Sherloc (09022015). Collection method: clinical testing. Allele origin: germline.

NM_152564.5(VPS13B):c.11058C>T (p.Ser3686=)

Gene: VPS13B (vacuolar protein sorting 13 homolog B; plus strand). Cytogenetic location: 8q22.2.
Variant type: single nucleotide variant.
Coding change: c.11058C>T on transcript NM_152564.5 (MANE Select); coding-DNA position 11058, C replaced by T.
Protein change: p.Ser3686=; no amino-acid change (serine 3686 retained).
Molecular consequence: synonymous variant.
Genome position (GRCh38, 1-based): chr8:99,861,789, C>T. VCF-style: chr8-99861789-C-T. GRCh37 (hg19) VCF-style: chr8-100874017-C-T.
Other names: c.11133C>T, p.Ser3711= (NM_017890.5); c.11058C>T (NM_152564.4).
Identifiers: ClinVar variation 710565 (VCV000710565.11), dbSNP rs1242117872, ClinGen allele CA462338033.